The following is an entry in ClinVar:

ClinVar aggregate classification (germline): Likely benign (0 of 4 stars; one submission).

Conditions:
ADGRG4-related disorder. Also called: ADGRG4-related condition.

Allele frequency attached by ClinVar (database versions not stated): ExAC 0.00232; ESP Exome Variant Server 0.00265; TOPMed 0.00266; gnomAD 0.00268; gnomAD exomes 0.00428.
gnomAD v4.1: 4,964 of 1,209,162 alleles (0.41%); highest among the groups gnomAD compares: Non-Finnish European, 0.5%; 10 homozygotes.

Submission:

PreventionGenetics, part of Exact Sciences
Classification: Likely benign for ADGRG4-related condition. Last evaluated: 2022-02-28. Review status: no assertion criteria provided. Collection method: clinical testing. Allele origin: germline.
Comment: This variant is classified as likely benign based on ACMG/AMP sequence variant interpretation guidelines (Richards et al. 2015 PMID: 25741868, with internal and published modifications).

NM_153834.4(ADGRG4):c.3697T>C (p.Ser1233Pro)

Gene: ADGRG4 (adhesion G protein-coupled receptor G4; plus strand). Cytogenetic location: Xq26.3.
Variant type: single nucleotide variant.
Coding change: c.3697T>C on transcript NM_153834.4 (MANE Select); coding-DNA position 3697, T replaced by C.
Protein change: p.Ser1233Pro; replaces serine 1233 with proline.
Molecular consequence: missense variant.
Genome position (GRCh38, 1-based): chrX:136,347,403, T>C. VCF-style: chrX-136347403-T-C. GRCh37 (hg19) VCF-style: chrX-135429562-T-C.
Other names: short protein forms S1233P.
Identifiers: ClinVar variation 3042098 (VCV003042098.2), dbSNP rs140460718, ClinGen allele CA10526354.